The following is an entry in ClinVar:

ClinVar aggregate classification (germline): Uncertain significance (1 of 4 stars; one submission).

Conditions:
Cardiovascular phenotype. Identifiers: MedGen CN230736.

Submission:

Ambry Genetics
Classification: Uncertain significance for Cardiovascular phenotype. Last evaluated: 2025-05-19. Review status: criteria provided, single submitter. Criteria: Ambry Variant Classification Scheme 2023. Collection method: clinical testing. Allele origin: germline.
Comment: The p.M1625V variant (also known as c.4873A>G), located in coding exon 32 of the MYH7 gene, results from an A to G substitution at nucleotide position 4873. The methionine at codon 1625 is replaced by valine, an amino acid with highly similar properties. This amino acid position is highly conserved in available vertebrate species. In addition, this alteration is predicted to be deleterious by in silico analysis. Based on the available evidence, the clinical significance of this variant remains unclear.

NM_000257.4(MYH7):c.4873A>G (p.Met1625Val)

Genes: MHRT (myosin heavy chain associated RNA transcript; plus strand), MYH7 (myosin heavy chain 7; minus strand), LOC126861897 (BRD4-independent group 4 enhancer GRCh37_chr14:23884455-23885654; plus strand). Cytogenetic location: 14q11.2.
Variant type: single nucleotide variant.
Coding change: c.4873A>G on transcript NM_000257.4 (MANE Select); coding-DNA position 4873, A replaced by G.
Protein change: p.Met1625Val; replaces methionine 1625 with valine.
Molecular consequence: missense variant. On other transcripts: non-coding transcript variant (1).
Genome position (GRCh38, 1-based): chr14:23,416,084, T>C on the plus strand (A>G on the coding strand, the complement: MYH7 is on the minus strand). VCF-style: chr14-23416084-T-C. GRCh37 (hg19) VCF-style: chr14-23885293-T-C.
Other names: c.4873A>G, p.Met1625Val (NM_001407004.1); short protein forms M1625V.
Identifiers: ClinVar variation 3915635 (VCV003915635.1).